The following is an entry in ClinVar:

NM_003036.4(SKI):c.136G>T (p.Ala46Ser)

Gene: SKI (SKI proto-oncogene; plus strand). Cytogenetic location: 1p36.33.
Variant type: single nucleotide variant.
Coding change: c.136G>T on transcript NM_003036.4 (MANE Select); coding-DNA position 136, G replaced by T.
Protein change: p.Ala46Ser; replaces alanine 46 with serine.
Molecular consequence: missense variant.
Genome position (GRCh38, 1-based): chr1:2,228,902, G>T. VCF-style: chr1-2228902-G-T. GRCh37 (hg19) VCF-style: chr1-2160341-G-T.
Other names: short protein forms A46S.
Identifiers: ClinVar variation 1306899 (VCV001306899.3), dbSNP rs1300049118, ClinGen allele CA337952162.

ClinVar aggregate classification (germline): Uncertain significance (1 of 4 stars; one submission).

gnomAD v4.1: 4 of 1,419,250 alleles (0.00028%); highest among the groups gnomAD compares: Non-Finnish European, 0.00037%; no homozygotes.

Submission:

GeneDx
Classification: Uncertain significance. Last evaluated: 2024-01-17. Review status: criteria provided, single submitter. Criteria: GeneDx Variant Classification Process June 2021. Collection method: clinical testing. Allele origin: germline. Affected: yes.
Comment: Not observed at significant frequency in large population cohorts (gnomAD); In silico analysis supports that this missense variant does not alter protein structure/function; Has not been previously published as pathogenic or benign to our knowledge